The following is an entry in ClinVar:

NM_018124.4(RFWD3):c.671A>G (p.Tyr224Cys)

Gene: RFWD3 (ring finger and WD repeat domain 3; minus strand). Cytogenetic location: 16q23.1.
Variant type: single nucleotide variant.
Coding change: c.671A>G on transcript NM_018124.4 (MANE Select); coding-DNA position 671, A replaced by G.
Protein change: p.Tyr224Cys; replaces tyrosine 224 with cysteine.
Molecular consequence: missense variant. On other transcripts: 5 prime UTR variant (4), intron variant (1).
Genome position (GRCh38, 1-based): chr16:74,651,970, T>C on the plus strand (A>G on the coding strand, the complement: RFWD3 is on the minus strand). VCF-style: chr16-74651970-T-C. GRCh37 (hg19) VCF-style: chr16-74685868-T-C.
Other names: c.671A>G, p.Tyr224Cys (NM_001370534.1, NM_001370535.1, NM_001370536.1); c.-338A>G (NM_001370537.1); c.-164A>G (NM_001370540.1); c.-215A>G (NM_001370542.1); c.-93A>G (NM_001370543.1); c.-113-2768A>G (NM_001370539.1); short protein forms Y224C.
Identifiers: ClinVar variation 2187273 (VCV002187273.4), dbSNP rs1960601146, ClinGen allele CA396763411.

ClinVar aggregate classification (germline): Uncertain significance (1 of 4 stars; one submission).

Allele frequency attached by ClinVar (database versions not stated): gnomAD exomes below 0.00001; TOPMed 0.00001.
gnomAD v4.1: 4 of 1,614,044 alleles (0.00025%); highest among the groups gnomAD compares: Non-Finnish European, 0.00034%; no homozygotes.

Submission:

Labcorp Genetics (formerly Invitae), Labcorp
Classification: Uncertain significance. Last evaluated: 2022-09-16. Review status: criteria provided, single submitter. Criteria: Invitae Variant Classification Sherloc (09022015). Collection method: clinical testing. Allele origin: germline.
Comment: This sequence change replaces tyrosine, which is neutral and polar, with cysteine, which is neutral and slightly polar, at codon 224 of the RFWD3 protein (p.Tyr224Cys). This variant is not present in population databases (gnomAD no frequency). This variant has not been reported in the literature in individuals affected with RFWD3-related conditions. Algorithms developed to predict the effect of missense changes on protein structure and function (SIFT, PolyPhen-2, Align-GVGD) all suggest that this variant is likely to be tolerated. In summary, the available evidence is currently insufficient to determine the role of this variant in disease. Therefore, it has been classified as a Variant of Uncertain Significance.